The following is an entry in ClinVar:

NM_017613.4(DONSON):c.76G>T (p.Ala26Ser)

Gene: DONSON (DNA replication fork stabilization factor DONSON; minus strand). Cytogenetic location: 21q22.11.
Variant type: single nucleotide variant.
Coding change: c.76G>T on transcript NM_017613.4 (MANE Select); coding-DNA position 76, G replaced by T.
Protein change: p.Ala26Ser; replaces alanine 26 with serine.
Molecular consequence: missense variant.
Genome position (GRCh38, 1-based): chr21:33,588,566, C>A on the plus strand (G>T on the coding strand, the complement: DONSON is on the minus strand). VCF-style: chr21-33588566-C-A. GRCh37 (hg19) VCF-style: chr21-34960872-C-A.
Other names: short protein forms A26S.
Identifiers: ClinVar variation 2087812 (VCV002087812.4), dbSNP rs1003172836, ClinGen allele CA320125031.
Genomic context (GRCh38, chr21:33,588,566, plus strand): 5'-GGCGGGCCGCCGGCTCCGTCAGCTCACGGGGCGGGGAGGCGGCAGCTCCACGGCTCCGGG[C>A]CCTTTTCCGTCGGAGCCGCACTACCTCGGGCGGCTTTCGGAAGCCCGGTGAGTAGCCGGG-3'
Protein context (NP_060083.1, residues 16-36): PEVVRLRRKR[Ala26Ser]RSRGAAASPP

ClinVar aggregate classification (germline): Uncertain significance (1 of 4 stars; one submission).

Allele frequency attached by ClinVar (database versions not stated): gnomAD exomes below 0.00001; TOPMed 0.00002; gnomAD 0.00001.

Submission:

Labcorp Genetics (formerly Invitae), Labcorp
Classification: Uncertain significance. Last evaluated: 2025-04-28. Review status: criteria provided, single submitter. Criteria: Invitae Variant Classification Sherloc (09022015). Collection method: clinical testing. Allele origin: germline.
Comment: This sequence change replaces alanine, which is neutral and non-polar, with serine, which is neutral and polar, at codon 26 of the DONSON protein (p.Ala26Ser). This variant is not present in population databases (gnomAD no frequency). This variant has not been reported in the literature in individuals affected with DONSON-related conditions. ClinVar contains an entry for this variant (Variation ID: 2087812). Invitae Evidence Modeling of protein sequence and biophysical properties (such as structural, functional, and spatial information, amino acid conservation, physicochemical variation, residue mobility, and thermodynamic stability) indicates that this missense variant is not expected to disrupt DONSON protein function with a negative predictive value of 80%. In summary, the available evidence is currently insufficient to determine the role of this variant in disease. Therefore, it has been classified as a Variant of Uncertain Significance.